The following is an entry in ClinVar:

NM_003640.5(ELP1):c.740+226A>G

Gene: ELP1 (elongator acetyltransferase complex subunit 1; minus strand). Cytogenetic location: 9q31.3.
Variant type: single nucleotide variant.
Coding change: c.740+226A>G on transcript NM_003640.5 (MANE Select); 226 bases into the intron after coding-DNA position 740, A replaced by G.
Molecular consequence: intron variant.
Genome position (GRCh38, 1-based): chr9:108,918,585, T>C on the plus strand (A>G on the coding strand, the complement: ELP1 is on the minus strand). VCF-style: chr9-108918585-T-C. GRCh37 (hg19) VCF-style: chr9-111680865-T-C.
Other names: c.398+226A>G (NM_001318360.2); c.-307-915A>G (NM_001330749.2).
Identifiers: ClinVar variation 681855 (VCV000681855.1), dbSNP rs1417713, ClinGen allele CA12996813.

ClinVar aggregate classification (germline): Benign (1 of 4 stars; one submission).

Allele frequency attached by ClinVar (database versions not stated): TOPMed 0.56547; gnomAD 0.57004 and 0.57286; 1000 Genomes Project 30x 0.58651; 1000 Genomes Project 0.59145.
gnomAD v4.1: 86,960 of 151,484 alleles (57%); highest among the groups gnomAD compares: South Asian, 70%; 25,194 homozygotes.

Submission:

GeneDx
Classification: Benign. Last evaluated: 2018-06-19. Review status: criteria provided, single submitter. Criteria: GeneDx Variant Classification (06012015). Collection method: clinical testing. Allele origin: germline. Affected: yes.
Comment: This variant is considered likely benign or benign based on one or more of the following criteria: it is a conservative change, it occurs at a poorly conserved position in the protein, it is predicted to be benign by multiple in silico algorithms, and/or has population frequency not consistent with disease.